The following is an entry in ClinVar:

ClinVar aggregate classification (germline): Likely benign (0 of 4 stars; one submission).

Conditions:
TUB-related disorder. Also called: TUB-related condition.

gnomAD v4.1: 55 of 1,614,126 alleles (0.0034%); highest among the groups gnomAD compares: South Asian, 0.056%; no homozygotes.

Submission:

PreventionGenetics, part of Exact Sciences
Classification: Likely benign for TUB-related condition. Last evaluated: 2024-03-25. Review status: no assertion criteria provided. Collection method: clinical testing. Allele origin: germline.
Comment: This variant is classified as likely benign based on ACMG/AMP sequence variant interpretation guidelines (Richards et al. 2015 PMID: 25741868, with internal and published modifications).

NM_177972.3(TUB):c.*4C>T

Genes: RIC3 (RIC3 acetylcholine receptor chaperone; minus strand), TUB (TUB bipartite transcription factor; plus strand). Cytogenetic location: 11p15.4.
Variant type: single nucleotide variant.
Coding change: c.*4C>T on transcript NM_177972.3 (MANE Select); 4 bases downstream of the stop codon, C replaced by T.
Molecular consequence: 3 prime UTR variant.
Genome position (GRCh38, 1-based): chr11:8,101,623, C>T. VCF-style: chr11-8101623-C-T. GRCh37 (hg19) VCF-style: chr11-8123170-C-T.
Other names: c.*4C>T (NM_003320.5).
Identifiers: ClinVar variation 3358392 (VCV003358392.1).
Genomic context (GRCh38, chr11:8,101,623, plus strand): 5'-CTGCAGGCCTTTGCCATTGCCCTGTCCAGCTTCGACAGCAAGCTGGCGTGCGAGTAGAGG[C>T]CTCTTCGTGCCCTTTGGGGTTGCCCAGCCTGGAGCGGAGCTTGCCTGCCTGCCTGTGGAG-3'